The following is an entry in ClinVar:

ClinVar aggregate classification (germline): Uncertain significance (1 of 4 stars; one submission).

Conditions:
Immunodeficiency. Identifiers: MedGen C0021051, MONDO:0021094, HP:0002721.

Submission:

Labcorp Genetics (formerly Invitae), Labcorp
Classification: Uncertain significance for Immunodeficiency. Last evaluated: 2023-12-09. Review status: criteria provided, single submitter. Criteria: Invitae Variant Classification Sherloc (09022015). Collection method: clinical testing. Allele origin: germline.
Comment: This sequence change replaces valine, which is neutral and non-polar, with methionine, which is neutral and non-polar, at codon 692 of the NFAT5 protein (p.Val692Met). This variant is not present in population databases (gnomAD no frequency). This variant has not been reported in the literature in individuals affected with NFAT5-related conditions. An algorithm developed to predict the effect of missense changes on protein structure and function (PolyPhen-2) suggests that this variant is likely to be disruptive. In summary, the available evidence is currently insufficient to determine the role of this variant in disease. Therefore, it has been classified as a Variant of Uncertain Significance.

NM_138713.4(NFAT5):c.2356G>A (p.Val786Met)

Gene: NFAT5 (nuclear factor of activated T cells 5; plus strand). Cytogenetic location: 16q22.1.
Variant type: single nucleotide variant.
Coding change: c.2356G>A on transcript NM_138713.4 (MANE Select); coding-DNA position 2356, G replaced by A.
Protein change: p.Val786Met; replaces valine 786 with methionine.
Molecular consequence: missense variant.
Genome position (GRCh38, 1-based): chr16:69,692,181, G>A. VCF-style: chr16-69692181-G-A. GRCh37 (hg19) VCF-style: chr16-69726084-G-A.
Other names: c.2353G>A, p.Val785Met (NM_001113178.3); c.1681G>A, p.Val561Met (NM_001367709.1); c.2302G>A, p.Val768Met (NM_006599.4); c.2074G>A, p.Val692Met (NM_138714.4, NM_173214.3, NM_173215.3); short protein forms V692M, V561M, V785M, V786M, V768M.
Identifiers: ClinVar variation 2701630 (VCV002701630.3), dbSNP rs2544232268, ClinGen allele CA396508752.